The following is an entry in ClinVar:

ClinVar aggregate classification (germline): Conflicting classifications of pathogenicity. Review status: criteria provided, conflicting classifications (1 of 4 stars). 6 submissions from 2 submitters: Uncertain significance (1); Benign (1); Likely benign (4). Last evaluated 2025-11-24.

Conditions:
Congenital myasthenic syndrome 16. Identifiers: Orphanet 590, MedGen C3280112, MONDO:0013620, OMIM 614198.
Hyperkalemic periodic paralysis. Also called: Familial hyperkalemic periodic paralysis; Gamstorp disease. Identifiers: Orphanet 682, MedGen C0238357, MONDO:0008224, OMIM 170500, HP:0007215.
Hypokalemic periodic paralysis, type 2 (HOKPP2). Identifiers: Orphanet 681, MedGen C2750061, MONDO:0013234, OMIM 613345.
Paramyotonia congenita of Von Eulenburg. Also called: PARALYSIS PERIODICA PARAMYOTONICA; Eulenburg disease; Myotonia congenita intermittens; Von Eulenburg paramyotonia congenita; Paramyotonia Congenita. Identifiers: Orphanet 684, MedGen C0221055, MONDO:0008195, OMIM 168300. Disease mechanism: loss of function.
Potassium-aggravated myotonia. Also called: MYOTONIA CONGENITA, ACETAZOLAMIDE-RESPONSIVE; MYOTONIA CONGENITA, ATYPICAL; SODIUM CHANNEL MUSCLE DISEASE; Myotonia congenita, atypical, acetazolamide-responsive. Identifiers: Orphanet 612, Orphanet 99734, Orphanet 99735, Orphanet 99736, MedGen C2931826, MONDO:0018959, OMIM 608390.

Allele frequency attached by ClinVar (database versions not stated): gnomAD exomes 0.00003; TOPMed 0.00001; 1000 Genomes Project 0.00080; gnomAD 0.00004; ExAC 0.00006; 1000 Genomes Project 30x 0.00062.

Submissions (6):

Labcorp Genetics (formerly Invitae), Labcorp
Classification: Likely benign for Hyperkalemic periodic paralysis. Last evaluated: 2025-11-24. Review status: criteria provided, single submitter. Criteria: Invitae Variant Classification Sherloc (09022015). Collection method: clinical testing. Allele origin: germline.

Illumina Laboratory Services, Illumina
Classification: Likely benign for Paramyotonia congenita of Von Eulenburg. Last evaluated: 2018-01-12. Review status: criteria provided, single submitter. Criteria: ICSL Variant Classification Criteria 13 December 2019. Collection method: clinical testing. Allele origin: germline.
Comment: This variant was observed in the ICSL laboratory as part of a predisposition screen in an ostensibly healthy population. It had not been previously curated by ICSL or reported in the Human Gene Mutation Database (HGMD: prior to June 1st, 2018), and was therefore a candidate for classification through an automated scoring system. Utilizing variant allele frequency, disease prevalence and penetrance estimates, and inheritance mode, an automated score was calculated to assess if this variant is too frequent to cause the disease. Based on the score and internal cut-off values, a variant classified as likely benign is not then subjected to further curation. The score for this variant resulted in a classification of likely benign for this disease.

Illumina Laboratory Services, Illumina
Classification: Likely benign for Hypokalemic periodic paralysis, type 2. Last evaluated: 2018-01-12. Review status: criteria provided, single submitter. Criteria: ICSL Variant Classification Criteria 13 December 2019. Collection method: clinical testing. Allele origin: germline.
Comment: the same text as in the submission from Illumina Laboratory Services, Illumina above.

Illumina Laboratory Services, Illumina
Classification: Likely benign for Hyperkalemic periodic paralysis. Last evaluated: 2018-01-12. Review status: criteria provided, single submitter. Criteria: ICSL Variant Classification Criteria 13 December 2019. Collection method: clinical testing. Allele origin: germline.
Comment: the same text as in the submission from Illumina Laboratory Services, Illumina above.

Illumina Laboratory Services, Illumina
Classification: Benign for Potassium-aggravated myotonia. Last evaluated: 2018-01-12. Review status: criteria provided, single submitter. Criteria: ICSL Variant Classification Criteria 13 December 2019. Collection method: clinical testing. Allele origin: germline.
Comment: This variant was observed in the ICSL laboratory as part of a predisposition screen in an ostensibly healthy population. It had not been previously curated by ICSL or reported in the Human Gene Mutation Database (HGMD: prior to June 1st, 2018), and was therefore a candidate for classification through an automated scoring system. Utilizing variant allele frequency, disease prevalence and penetrance estimates, and inheritance mode, an automated score was calculated to assess if this variant is too frequent to cause the disease. Based on the score and internal cut-off values, a variant classified as benign is not then subjected to further curation. The score for this variant resulted in a classification of benign for this disease.

Illumina Laboratory Services, Illumina
Classification: Uncertain significance for Congenital myasthenic syndrome 16. Last evaluated: 2018-01-12. Review status: criteria provided, single submitter. Criteria: ICSL Variant Classification Criteria 13 December 2019. Collection method: clinical testing. Allele origin: germline.

NM_000334.4(SCN4A):c.1995G>T (p.Leu665=)

Gene: SCN4A (sodium voltage-gated channel alpha subunit 4; minus strand). Cytogenetic location: 17q23.3.
Variant type: single nucleotide variant.
Coding change: c.1995G>T on transcript NM_000334.4 (MANE Select); coding-DNA position 1995, G replaced by T.
Protein change: p.Leu665=; no amino-acid change (leucine 665 retained).
Molecular consequence: synonymous variant.
Genome position (GRCh38, 1-based): chr17:63,959,289, C>A on the plus strand (G>T on the coding strand, the complement: SCN4A is on the minus strand). VCF-style: chr17-63959289-C-A. GRCh37 (hg19) VCF-style: chr17-62036649-C-A.
Identifiers: ClinVar variation 725396 (VCV000725396.15), dbSNP rs189925781, ClinGen allele CA8709693.